The following is an entry in ClinVar:

NM_000038.6(APC):c.1312+5G>A

Gene: APC (APC regulator of Wnt signaling pathway; plus strand). Cytogenetic location: 5q22.2.
Variant type: single nucleotide variant.
Coding change: c.1312+5G>A on transcript NM_000038.6 (MANE Select); 5 bases into the intron after coding-DNA position 1312, G replaced by A.
Molecular consequence: intron variant.
Genome position (GRCh38, 1-based): chr5:112,819,349, G>A. VCF-style: chr5-112819349-G-A. GRCh37 (hg19) VCF-style: chr5-112155046-G-A.
Other names: c.1312+5G>A (NM_001354895.2, NM_001127510.3, NM_001354896.2); c.1342+5G>A (NM_001354897.2); c.1039+5G>A (NM_001354902.2); c.1258+5G>A (NM_001127511.3); c.1237+5G>A (NM_001354898.2); c.934+5G>A (NM_001354904.2); c.463+5G>A (NM_001354906.2); c.1009+5G>A (NM_001354903.2); and 3 more.
Identifiers: ClinVar variation 411416 (VCV000411416.24), dbSNP rs886039507, ClinGen allele CA16611621.

ClinVar aggregate classification (germline): Likely pathogenic. Review status: reviewed by expert panel (3 of 4 stars). 9 submissions from 9 submitters: Likely pathogenic (1). 8 of the submissions do not count toward it. Last evaluated 2025-05-15.

Conditions:
Hereditary cancer-predisposing syndrome. Also called: Neoplastic Syndromes, Hereditary; Tumor predisposition; Hereditary Cancer Syndrome; Hereditary neoplastic syndrome. Identifiers: Orphanet 140162, MedGen C0027672, MeSH D009386, MONDO:0015356.
Familial multiple polyposis syndrome (FAP). Also called: Classic familial adenomatous polyposis; Familial adenomatous polyposis; Familial intestinal polyposis; Familial polyposis; Familial Adenomatous Polyposis (FAP). Identifiers: Orphanet 733, MedGen C0032580, MONDO:0021055. Disease mechanism: loss of function.
Familial adenomatous polyposis 1 (FAP1). Also called: FAMILIAL ADENOMATOUS POLYPOSIS 1, ATTENUATED; POLYPOSIS, ADENOMATOUS INTESTINAL. Identifiers: MedGen C2713442, MONDO:0021056, OMIM 175100. Disease mechanism: loss of function.

Submissions (9):

ClinGen InSiGHT Hereditary Colorectal Cancer/Polyposis Variant Curation Expert Panel
Classification: Likely pathogenic for Familial adenomatous polyposis 1. Last evaluated: 2025-05-15. Review status: reviewed by expert panel. Criteria: ClinGen InSiGHT HCCP VCEP ACMG Specifications APC V1. Collection method: curation. Allele origin: germline. Inheritance: Autosomal dominant inheritance.
Comment: The NM_000038.6(APC):c.1312+5G>A variant in APC is an intronic variant which is located at the 5th nucleotide in intron 10. This variant has been reported in 16 probands meeting phenotypic criteria, resulting in a total phenotype score of 11.5 points (internal data Labcorp Genetics [formerly Invitae], Ambry Genetics, Peter MacCallum Cancer Centre, Victoria, Australia, PMID: 15459959 and 23159591) (PS4). This variant is absent from gnomAD v2.1.1 (PM2_Supporting). RNA studies have demonstrated that this variant causes exon 10 skipping (PMID: 22987206, 15459959, 15833136, Ambry internal data) (PS3_Moderate). This variant has been identified as a de novo occurrence with unconfirmed parental relationships in 1 individual with FAP, resulting in a total de novo score of 0.5 (PMID: 15833136) (PM6_Supporting). In summary, this variant meets the criteria to be classified as Likely Pathogenic for autosomal-dominant inherited FAP based on the ACMG/AMP criteria applied, as specified by the ClinGen InSiGHT Hereditary Colorectal Cancer/Polyposis VCEP: PS3_Moderate, PS4, PM2_Supporting, PM6_Supporting (VCEP specifications version 2.1.0; date of approval: 11/24/2023).

Myriad Genetics, Inc.
Classification: Likely pathogenic for Familial adenomatous polyposis 1. Last evaluated: 2026-02-25. Review status: criteria provided, single submitter. Criteria: Myriad Autosomal Dominant, Autosomal Recessive and X-Linked Classification Criteria (2023). Collection method: clinical testing. Allele origin: unknown. Not counted in ClinVar's aggregate classification.
Comment: This variant is considered likely pathogenic. This variant has shown to segregate with cancer in one or more families [PMID: 8125478]. mRNA analysis has demonstrated abnormal mRNA splicing occurs [PMID: 8125478, 15833136].

Institute of Human Genetics, University of Leipzig Medical Center
Classification: Likely pathogenic for Familial adenomatous polyposis 1. Last evaluated: 2025-10-28. Review status: criteria provided, single submitter. Criteria: ACMG Guidelines, 2015. Collection method: clinical testing. Allele origin: unknown. Inheritance: Autosomal dominant inheritance. Affected: yes. Not counted in ClinVar's aggregate classification.
Comment: Criteria applied: PS4,PS3_MOD,PM2_SUP,PM6_SUP

Labcorp Genetics (formerly Invitae), Labcorp
Classification: Pathogenic for Familial adenomatous polyposis 1. Last evaluated: 2025-05-07. Review status: criteria provided, single submitter. Criteria: Invitae Variant Classification Sherloc (09022015). Collection method: clinical testing. Allele origin: germline. Not counted in ClinVar's aggregate classification.
Comment: This sequence change falls in intron 10 of the APC gene. It does not directly change the encoded amino acid sequence of the APC protein. RNA analysis indicates that this variant induces altered splicing and may result in an absent or altered protein product. This variant is not present in population databases (gnomAD no frequency). This variant has been observed in individuals with familial adenomatous polyposis (PMID: 15459959, 20223039, 22987206). It has also been observed to segregate with disease in related individuals. ClinVar contains an entry for this variant (Variation ID: 411416). Variants that disrupt the consensus splice site are a relatively common cause of aberrant splicing (PMID: 17576681, 9536098). Studies have shown that this variant results in skipping of exon 10 (also referred to as exon 9), and produces a non-functional protein and/or introduces a premature termination codon (PMID: 15459959, 22987206). For these reasons, this variant has been classified as Pathogenic.

Ambry Genetics
Classification: Pathogenic for Hereditary cancer-predisposing syndrome. Last evaluated: 2022-12-29. Review status: criteria provided, single submitter. Criteria: Ambry Variant Classification Scheme 2023. Collection method: clinical testing. Allele origin: germline. Not counted in ClinVar's aggregate classification.
Comment: The c.1312+5G>A intronic pathogenic mutation results from a G to A substitution 5 nucleotides after coding exon 9 in the APC gene. This mutation has been detected in individuals with clinical diagnoses of familial adenomatous polyposis (FAP) and attenuated FAP (Ambry internal data; Aretz et al. Hum Mutat. 2004 Nov;24(5):370-80; Mihalatos M et al. BMC Cancer 2005 Apr;5:40; Schwarzova et al. Fam Cancer. 2013 Mar;12(1):35-42). This variant is considered to be rare based on population cohorts in the Genome Aggregation Database (gnomAD). RNA analysis reveals that this mutation leads to substantially increased exon 9 skipping relative to control RNA samples (Ambry internal data; Aretz et al. Hum Mutat. 2004 Nov;24(5):370-80; Mihalatos M et al. BMC Cancer 2005 Apr;5:40; Schwarzova et al. Fam Cancer. 2013 Mar;12(1):35-42). Based on the supporting evidence, this alteration is interpreted as a disease-causing mutation.

Baylor Genetics
Classification: Pathogenic for Familial adenomatous polyposis 1. Last evaluated: 2021-09-16. Review status: criteria provided, single submitter. Criteria: ACMG Guidelines, 2015. Collection method: clinical testing. Allele origin: unknown. Not counted in ClinVar's aggregate classification.

Color Diagnostics, LLC DBA Color Health
Classification: Pathogenic for Hereditary cancer-predisposing syndrome. Last evaluated: 2021-06-14. Review status: criteria provided, single submitter. Criteria: ACMG Guidelines, 2015. Collection method: clinical testing. Allele origin: germline. Not counted in ClinVar's aggregate classification.
Comment: This variant causes a G to A nucleotide substitution at the +5 position of intron 10 of the APC gene. RNA studies show that this variants resulted in exon 10 skipping (PMID: 8125478, 15459959, 15833136, 19196998, 22987206). This variant has been reported in individuals affected with familial adenomatous polyposis or colonic polyposis (PMID: 8125478, 15459959, 15833136, 22987206, 29029407, 29406563). It has been shown that this variant segregates with disease (PMID: 8125478). This variant has not been identified in the general population by the Genome Aggregation Database (gnomAD). Loss of APC function is a known mechanism of disease. Based on the available evidence, this variant is classified as Pathogenic.

Women's Health and Genetics/Laboratory Corporation of America, LabCorp
Classification: Pathogenic for Familial adenomatous polyposis. Last evaluated: 2019-07-10. Review status: criteria provided, single submitter. Criteria: LabCorp Variant Classification Summary - May 2015. Collection method: clinical testing. Allele origin: germline. Not counted in ClinVar's aggregate classification.
Comment: Variant summary: APC c.1312+5G>A alters a conserved nucleotide located close to a canonical splice site and therefore could affect mRNA splicing, leading to a significantly altered protein sequence. Several computational tools predict a significant impact on normal splicing: Three predict the variant abolishes a 5' splicing donor site. Two predict the variant weakens a 5' donor site. Several publications report experimental evidence that this variant affects mRNA splicing, resulting in skipping of exon 9 and truncation of the protein (Aretz_2004, Mihalatos_2005, Schwarzova_2013). The variant was absent in 250464 control chromosomes. c.1312+5G>A has been reported in the literature in individuals affected with Familial Adenomatous Polyposis(FAP) or Attenuated Familial Adenomatous Polyposis(AFAP) (Aretz_2004, Mihalatos_2005, Schwarzova_2013, Yanus_2018). These data indicate that the variant is likely to be associated with disease. Two clinical diagnostic laboratories have submitted clinical-significance assessments of pathogenic for this variant to ClinVar after 2014. Based on the evidence outlined above, the variant was classified as pathogenic.

Quest Diagnostics Nichols Institute San Juan Capistrano
Classification: Pathogenic. Last evaluated: 2018-11-19. Review status: criteria provided, single submitter. Criteria: Quest Diagnostics criteria. Collection method: clinical testing. Allele origin: germline. Not counted in ClinVar's aggregate classification.
Comment: A splicing study showed that this variant produced a shift of frame, and is therefore predicted to result in the loss of a functional protein. Not found in the gnomAD dataset, and the data is high quality (0/34534 chr). Statistically enriched in patients compared to ethnically matched controls. Found in at least one symptomatic patient. Predicted to negatively affect a known splice site. Nucleotide conservation is uninformative.

Literature cited by the submitters: PubMed 22987206 (cited by 4 submitters); PubMed 15459959 (cited by 4 submitters); PubMed 15833136 (cited by 3 submitters); PubMed 8125478 (cited by Myriad Genetics, Inc.); PubMed 20223039 (cited by 4 submitters); PubMed 17576681 (cited by Labcorp Genetics (formerly Invitae), Labcorp); PubMed 9536098 (cited by Labcorp Genetics (formerly Invitae), Labcorp); PubMed 19196998 (cited by Women's Health and Genetics/Laboratory Corporation of America, LabCorp); PubMed 29029407 (cited by Women's Health and Genetics/Laboratory Corporation of America, LabCorp); PubMed 24498620 (cited by Women's Health and Genetics/Laboratory Corporation of America, LabCorp); PubMed 29406563 (cited by Women's Health and Genetics/Laboratory Corporation of America, LabCorp).